The following is an entry in ClinVar:

NM_001369.3(DNAH5):c.9720+5G>A

Gene: DNAH5 (dynein axonemal heavy chain 5; minus strand). Cytogenetic location: 5p15.2.
Variant type: single nucleotide variant.
Coding change: c.9720+5G>A on transcript NM_001369.3 (MANE Select); 5 bases into the intron after coding-DNA position 9720, G replaced by A.
Molecular consequence: intron variant.
Genome position (GRCh38, 1-based): chr5:13,769,496, C>T on the plus strand (G>A on the coding strand, the complement: DNAH5 is on the minus strand). VCF-style: chr5-13769496-C-T. GRCh37 (hg19) VCF-style: chr5-13769605-C-T.
Identifiers: ClinVar variation 454819 (VCV000454819.18), dbSNP rs763440781, ClinGen allele CA3202461.

ClinVar aggregate classification (germline): Conflicting classifications of pathogenicity. Review status: criteria provided, conflicting classifications (1 of 4 stars). 8 submissions from 8 submitters: Pathogenic (1); Likely pathogenic (3); Uncertain significance (2). 2 of the submissions do not count toward it. Last evaluated 2026-08-04.

Conditions:
Primary ciliary dyskinesia. Also called: Ciliary dyskinesia. Identifiers: Orphanet 244, MedGen C0008780, MONDO:0016575, HP:0012265.
Primary ciliary dyskinesia 3. Identifiers: Orphanet 244, MedGen C1837618, MONDO:0012085, OMIM 608644.

Allele frequency attached by ClinVar (database versions not stated): ExAC 0.00001; gnomAD 0.00001; gnomAD exomes 0.00001 and 0.00003; TOPMed 0.00002.
gnomAD v4.1: 50 of 1,612,054 alleles (0.0031%); highest among the groups gnomAD compares: Non-Finnish European, 0.0039%; no homozygotes.

Submissions (8):

Myriad Genetics, Inc.
Classification: Uncertain significance for Primary ciliary dyskinesia 3. Last evaluated: 2026-08-04. Review status: criteria provided, single submitter. Criteria: Myriad Autosomal Dominant, Autosomal Recessive and X-Linked Classification Criteria (2023). Collection method: clinical testing. Allele origin: unknown.
Comment: NM_001369.2(DNAH5):c.9720+5G>A is an intronic variant classified as a variant of uncertain significance in the context of primary ciliary dyskinesia, DNAH5-related. c.9720+5G>A has been observed in cases with relevant disease (PMID: 33479112, 34401452). Relevant functional assessments of this variant are not available in the literature. c.9720+5G>A has been observed in referenced population frequency databases. In summary, there is insufficient evidence to classify NM_001369.2(DNAH5):c.9720+5G>A as pathogenic or benign. Please note: this variant was assessed in the context of healthy population screening.

Department of Genetics, Sultan Qaboos University Hospital
Classification: Likely pathogenic for Primary ciliary dyskinesia 3. Last evaluated: 2026-04-01. Review status: criteria provided, single submitter. Criteria: ACMG Guidelines, 2015. Collection method: clinical testing. Allele origin: germline. Affected: yes. Observed: 1 variant allele.
Comment: PM2_Supporting,PP3_Supporting,PP1_Strong,PP4_Supporting

Labcorp Genetics (formerly Invitae), Labcorp
Classification: Pathogenic for Primary ciliary dyskinesia. Last evaluated: 2025-09-10. Review status: criteria provided, single submitter. Criteria: Invitae Variant Classification Sherloc (09022015). Collection method: clinical testing. Allele origin: germline.
Comment: This sequence change falls in intron 57 of the DNAH5 gene. It does not directly change the encoded amino acid sequence of the DNAH5 protein. It affects a nucleotide within the consensus splice site. This variant is present in population databases (rs763440781, gnomAD 0.002%). This variant has been observed in individual(s) with clinical features of primary ciliary dyskinesia (internal data). ClinVar contains an entry for this variant (Variation ID: 454819). Variants that disrupt the consensus splice site are a relatively common cause of aberrant splicing (PMID: 17576681, 9536098). Algorithms developed to predict the effect of sequence changes on RNA splicing suggest that this variant may disrupt the consensus splice site. For these reasons, this variant has been classified as Pathogenic.

GeneDx
Classification: Likely pathogenic. Last evaluated: 2025-01-23. Review status: criteria provided, single submitter. Criteria: GeneDx Variant Classification Process June 2021. Collection method: clinical testing. Allele origin: germline. Affected: yes.
Comment: Identified with a second DNAH5 variant in a patient with PCD in published literature, however, detailed clinical information was not provided (PMID: 33479112); Not observed at significant frequency in large population cohorts (gnomAD); In silico analysis supports a deleterious effect on splicing; This variant is associated with the following publications: (PMID: 34401452, 34758253, 33479112)

Blueprint Genetics
Classification: Uncertain significance. Last evaluated: 2024-10-21. Review status: criteria provided, single submitter. Criteria: ACMG Guidelines, 2015. Collection method: clinical testing. Allele origin: germline.

Genomic Medicine Center of Excellence, King Faisal Specialist Hospital and Research Centre
Classification: Likely pathogenic for Primary ciliary dyskinesia 3. Last evaluated: 2024-03-25. Review status: criteria provided, single submitter. Criteria: ACMG Guidelines, 2015. Collection method: clinical testing. Allele origin: germline.

Natera, Inc.
Classification: Uncertain significance for Primary ciliary dyskinesia. Last evaluated: 2020-01-17. Review status: no assertion criteria provided. Collection method: clinical testing. Allele origin: germline. Not counted in ClinVar's aggregate classification.

Genomics England Pilot Project, Genomics England
Classification: Likely pathogenic for Primary ciliary dyskinesia 3. Review status: no assertion criteria provided. Criteria: ACGS Guidelines, 2016. Collection method: clinical testing. Allele origin: germline. Affected: yes. Not counted in ClinVar's aggregate classification.

Literature cited by the submitters: PubMed 33479112 (cited by Myriad Genetics, Inc.); PubMed 34401452 (cited by Myriad Genetics, Inc.); PubMed 17576681 (cited by Labcorp Genetics (formerly Invitae), Labcorp); PubMed 9536098 (cited by Labcorp Genetics (formerly Invitae), Labcorp).